The following is an entry in ClinVar:

NM_001379451.1(BCORL1):c.2032T>A (p.Ser678Thr)

Gene: BCORL1 (BCL6 corepressor like 1; plus strand). Cytogenetic location: Xq26.1.
Variant type: single nucleotide variant.
Coding change: c.2032T>A on transcript NM_001379451.1 (MANE Select); coding-DNA position 2032, T replaced by A.
Protein change: p.Ser678Thr; replaces serine 678 with threonine.
Molecular consequence: missense variant.
Genome position (GRCh38, 1-based): chrX:130,014,804, T>A. VCF-style: chrX-130014804-T-A. GRCh37 (hg19) VCF-style: chrX-129148780-T-A.
Other names: c.2032T>A, p.Ser678Thr (NM_001184772.3, NM_001379450.1, NM_001441326.1 and 7 more transcripts); short protein forms S678T.
Identifiers: ClinVar variation 4795750 (VCV004795750.1).

ClinVar aggregate classification (germline): Uncertain significance (1 of 4 stars; one submission).

Submission:

GeneDx
Classification: Uncertain significance. Last evaluated: 2025-08-13. Review status: criteria provided, single submitter. Criteria: GeneDx Variant Classification Process June 2021. Collection method: clinical testing. Allele origin: germline. Affected: yes.
Comment: Not observed at significant frequency in large population cohorts (gnomAD); In silico analysis suggests that this missense variant does not alter protein structure/function; Has not been previously published as pathogenic or benign to our knowledge